The following is an entry in ClinVar:

NM_001939.3(DRP2):c.2231C>A (p.Ser744Tyr)

Gene: DRP2 (dystrophin related protein 2; plus strand). Cytogenetic location: Xq22.1.
Variant type: single nucleotide variant.
Coding change: c.2231C>A on transcript NM_001939.3 (MANE Select); coding-DNA position 2231, C replaced by A.
Protein change: p.Ser744Tyr; replaces serine 744 with tyrosine.
Molecular consequence: missense variant.
Genome position (GRCh38, 1-based): chrX:101,255,234, C>A. VCF-style: chrX-101255234-C-A. GRCh37 (hg19) VCF-style: chrX-100510223-C-A.
Other names: c.1997C>A, p.Ser666Tyr (NM_001171184.2); short protein forms S666Y, S744Y.
Identifiers: ClinVar variation 3008333 (VCV003008333.3), dbSNP rs1342937629, ClinGen allele CA413936549.

ClinVar aggregate classification (germline): Uncertain significance (1 of 4 stars; one submission).

Allele frequency attached by ClinVar (database versions not stated): gnomAD 0.00001.
gnomAD v4.1: 11 of 1,208,572 alleles (0.00091%); highest among the groups gnomAD compares: East Asian, 0.03%; no homozygotes.

Submission:

Labcorp Genetics (formerly Invitae), Labcorp
Classification: Uncertain significance. Last evaluated: 2023-04-08. Review status: criteria provided, single submitter. Criteria: Invitae Variant Classification Sherloc (09022015). Collection method: clinical testing. Allele origin: germline.
Comment: In summary, the available evidence is currently insufficient to determine the role of this variant in disease. Therefore, it has been classified as a Variant of Uncertain Significance. Advanced modeling of protein sequence and biophysical properties (such as structural, functional, and spatial information, amino acid conservation, physicochemical variation, residue mobility, and thermodynamic stability) performed at Invitae indicates that this missense variant is expected to disrupt DRP2 protein function. This variant has not been reported in the literature in individuals affected with DRP2-related conditions. This variant is not present in population databases (gnomAD no frequency). This sequence change replaces serine, which is neutral and polar, with tyrosine, which is neutral and polar, at codon 744 of the DRP2 protein (p.Ser744Tyr).